The following is an entry in ClinVar:

NM_001001331.4(ATP2B2):c.122A>C (p.Glu41Ala)

Gene: ATP2B2 (ATPase plasma membrane Ca2+ transporting 2; minus strand). Cytogenetic location: 3p25.3.
Variant type: single nucleotide variant.
Coding change: c.122A>C on transcript NM_001001331.4 (MANE Select); coding-DNA position 122, A replaced by C.
Protein change: p.Glu41Ala; replaces glutamic acid 41 with alanine.
Molecular consequence: missense variant.
Genome position (GRCh38, 1-based): chr3:10,449,422, T>G on the plus strand (A>C on the coding strand, the complement: ATP2B2 is on the minus strand). VCF-style: chr3-10449422-T-G. GRCh37 (hg19) VCF-style: chr3-10491106-T-G.
Other names: c.122A>C, p.Glu41Ala (NM_001330611.3, NM_001353564.1, NM_001363862.1 and 1 more transcripts); short protein forms E41A.
Identifiers: ClinVar variation 3908040 (VCV003908040.1).

ClinVar aggregate classification (germline): Uncertain significance (1 of 4 stars; one submission).

Submission:

GeneDx
Classification: Uncertain significance. Last evaluated: 2024-12-30. Review status: criteria provided, single submitter. Criteria: GeneDx Variant Classification Process June 2021. Collection method: clinical testing. Allele origin: germline. Affected: yes.
Comment: Not observed at significant frequency in large population cohorts (gnomAD); In silico analysis supports that this missense variant has a deleterious effect on protein structure/function; Has not been previously published as pathogenic or benign to our knowledge